The following is an entry in ClinVar:

ClinVar aggregate classification (germline): Benign. Review status: criteria provided, multiple submitters, no conflicts (2 of 4 stars). 2 submissions from 2 submitters: Benign (2). Last evaluated 2018-06-16.

Allele frequency attached by ClinVar (database versions not stated): ExAC 0.00867; 1000 Genomes Project 0.02256; ESP Exome Variant Server 0.02309; 1000 Genomes Project 30x 0.02327; TOPMed 0.02611; gnomAD 0.02424 and 0.02605.
gnomAD v4.1: 7,329 of 1,611,150 alleles (0.45%); highest among the groups gnomAD compares: African/African-American, 8.6%; 315 homozygotes.

Submissions (2):

GeneDx
Classification: Benign. Last evaluated: 2018-06-16. Review status: criteria provided, single submitter. Criteria: GeneDx Variant Classification (06012015). Collection method: clinical testing. Allele origin: germline. Affected: yes.
Comment: This variant is considered likely benign or benign based on one or more of the following criteria: it is a conservative change, it occurs at a poorly conserved position in the protein, it is predicted to be benign by multiple in silico algorithms, and/or has population frequency not consistent with disease.

Breakthrough Genomics
Classification: Benign. Review status: criteria provided, single submitter. Criteria: ACMG Guidelines, 2015. Collection method: not provided. Allele origin: germline. Inheritance: Autosomal dominant inheritance. Affected: yes.

NM_005751.5(AKAP9):c.49-21G>A

Gene: AKAP9 (A-kinase anchoring protein 9; plus strand). Cytogenetic location: 7q21.2.
Variant type: single nucleotide variant.
Coding change: c.49-21G>A on transcript NM_005751.5 (MANE Select); 21 bases into the intron before coding-DNA position 49, G replaced by A.
Molecular consequence: intron variant.
Genome position (GRCh38, 1-based): chr7:91,973,690, G>A. VCF-style: chr7-91973690-G-A. GRCh37 (hg19) VCF-style: chr7-91603004-G-A.
Other names: c.49-21G>A (NM_147185.3).
Identifiers: ClinVar variation 675573 (VCV000675573.2), dbSNP rs10264979, ClinGen allele CA4335721.
Genomic context (GRCh38, chr7:91,973,690, plus strand): 5'-AGACTCCCAAAGCTGCTTTTTTCTTGGTGGCAATAAAGAAAAATTATCTTTGACAATAAC[G>A]GTTATTTTCTTTTTTCTTAGCTTGCCCAGTTTCGACAAAGAAAAGCTCAGTCGGATGGGC-3'